The following is an entry in ClinVar:

NM_025137.4(SPG11):c.3454-6T>C

Gene: SPG11 (SPG11 vesicle trafficking associated, spatacsin; minus strand). Cytogenetic location: 15q21.1.
Variant type: single nucleotide variant.
Coding change: c.3454-6T>C on transcript NM_025137.4 (MANE Select); 6 bases into the intron before coding-DNA position 3454, T replaced by C.
Molecular consequence: intron variant.
Genome position (GRCh38, 1-based): chr15:44,606,097, A>G on the plus strand (T>C on the coding strand, the complement: SPG11 is on the minus strand). VCF-style: chr15-44606097-A-G. GRCh37 (hg19) VCF-style: chr15-44898295-A-G.
Other names: c.3454-6T>C (NM_001160227.2).
Identifiers: ClinVar variation 1364915 (VCV001364915.8), dbSNP rs2140994495, ClinGen allele CA2573151009.

ClinVar aggregate classification (germline): Uncertain significance (1 of 4 stars; one submission).

Conditions:
Hereditary spastic paraplegia 11. Also called: Spastic paraplegia, mental retardation and thin corpus callosum; Spastic Paraplegia 11; Nakamura Osame syndrome; Autosomal recessive hereditary spastic paraplegia, mental impairment, and thin corpus callosum; SPASTIC PARAPLEGIA, AUTOSOMAL RECESSIVE, COMPLICATED, WITH THIN CORPUS CALLOSUM; SPASTIC PARAPLEGIA, AUTOSOMAL RECESSIVE, WITH MENTAL IMPAIRMENT AND THIN CORPUS CALLOSUM. Identifiers: Orphanet 2822, MedGen C1858479, MONDO:0011445, OMIM 604360.

Allele frequency attached by ClinVar (database versions not stated): gnomAD exomes below 0.00001.
gnomAD v4.1: 1 of 1,613,378 alleles (0.000062%); highest among the groups gnomAD compares: South Asian, 0.0011%; no homozygotes.

Submission:

Labcorp Genetics (formerly Invitae), Labcorp
Classification: Uncertain significance for Hereditary spastic paraplegia 11. Last evaluated: 2024-10-21. Review status: criteria provided, single submitter. Criteria: Invitae Variant Classification Sherloc (09022015). Collection method: clinical testing. Allele origin: germline.
Comment: This sequence change falls in intron 19 of the SPG11 gene. It does not directly change the encoded amino acid sequence of the SPG11 protein. This variant is not present in population databases (gnomAD no frequency). This variant has not been reported in the literature in individuals affected with SPG11-related conditions. ClinVar contains an entry for this variant (Variation ID: 1364915). Algorithms developed to predict the effect of sequence changes on RNA splicing suggest that this variant may disrupt the consensus splice site. In summary, the available evidence is currently insufficient to determine the role of this variant in disease. Therefore, it has been classified as a Variant of Uncertain Significance.